The following is an entry in ClinVar:

NM_000306.4(POU1F1):c.503CAA[1] (p.Thr169del)

Gene: POU1F1 (POU class 1 homeobox 1; minus strand). Cytogenetic location: 3p11.2.
Variant type: Microsatellite.
Coding change: c.503CAA[1] on transcript NM_000306.4 (MANE Select); one copy of the 3-base unit CAA starting at c.503; the reference has two copies in a row; one copy, 3 bases deleted.
Protein change: p.Thr169del; deletes threonine 169.
Molecular consequence: inframe deletion.
Genome position (GRCh38, 1-based): chr3:87,262,167-87,262,169, TTG deleted on the plus strand (CAA on the coding strand, the reverse complement: POU1F1 is on the minus strand); deleting any 3 consecutive bases within chr3:87,262,167-87,262,174 gives the same sequence; the position shown is the placement nearest the transcript's 3' end. VCF-style (leftmost placement, unchanged base first): chr3-87262166-ATTG-A. GRCh37 (hg19) VCF-style: chr3-87311316-ATTG-A.
Other names: c.581CAA[1], p.Thr195del (NM_001122757.3); short protein forms T195del, T169del.
Identifiers: ClinVar variation 2283221 (VCV002283221.2), dbSNP rs2471787740, ClinGen allele CA2577827192.

ClinVar aggregate classification (germline): Uncertain significance (1 of 4 stars; one submission).

Conditions:
Inborn genetic diseases. Identifiers: MedGen C0950123, MeSH D030342.

Submission:

Ambry Genetics
Classification: Uncertain significance for Inborn genetic diseases. Last evaluated: 2022-04-20. Review status: criteria provided, single submitter. Criteria: Ambry Variant Classification Scheme 2023. Collection method: clinical testing. Allele origin: germline.
Comment: The c.506_508delCAA (p.T169del) alteration is located in exon 4 (coding exon 4) of the POU1F1 gene. This alteration consists of an in-frame deletion of 3 nucleotides between nucleotide positions c.506 and c.508, resulting in the deletion of <NA> residues. Based on insufficient or conflicting evidence, the clinical significance of this alteration remains unclear.